The following is an entry in ClinVar:

ClinVar aggregate classification (germline): Uncertain significance. Review status: criteria provided, multiple submitters, no conflicts (2 of 4 stars). 2 submissions from 2 submitters: Uncertain significance (2). Last evaluated 2024-12-02.

Allele frequency attached by ClinVar (database versions not stated): gnomAD exomes below 0.00001; gnomAD 0.00001; TOPMed 0.00001.
gnomAD v4.1: 3 of 1,613,816 alleles (0.00019%); highest among the groups gnomAD compares: Non-Finnish European, 0.00025%; no homozygotes.

Submissions (2):

Labcorp Genetics (formerly Invitae), Labcorp
Classification: Uncertain significance. Last evaluated: 2024-12-02. Review status: criteria provided, single submitter. Criteria: Invitae Variant Classification Sherloc (09022015). Collection method: clinical testing. Allele origin: germline.
Comment: This sequence change replaces tyrosine, which is neutral and polar, with cysteine, which is neutral and slightly polar, at codon 1993 of the RP1 protein (p.Tyr1993Cys). This variant is present in population databases (no rsID available, gnomAD 0.007%). This variant has not been reported in the literature in individuals affected with RP1-related conditions. ClinVar contains an entry for this variant (Variation ID: 1510605). An algorithm developed to predict the effect of missense changes on protein structure and function outputs the following: PolyPhen-2: "Benign". The cysteine amino acid residue is found in multiple mammalian species, which suggests that this missense change does not adversely affect protein function. In summary, the available evidence is currently insufficient to determine the role of this variant in disease. Therefore, it has been classified as a Variant of Uncertain Significance.

Blueprint Genetics
Classification: Uncertain significance. Last evaluated: 2019-01-08. Review status: criteria provided, single submitter. Criteria: ACMG Guidelines, 2015. Collection method: clinical testing. Allele origin: germline.

NM_006269.2(RP1):c.5978A>G (p.Tyr1993Cys)

Genes: RP1 (RP1 axonemal microtubule associated; plus strand), LOC126860392 (CDK7 strongly-dependent group 2 enhancer GRCh37_chr8:55541319-55542518; plus strand). Cytogenetic location: 8q12.1.
Variant type: single nucleotide variant.
Coding change: c.5978A>G on transcript NM_006269.2 (MANE Select); coding-DNA position 5978, A replaced by G.
Protein change: p.Tyr1993Cys; replaces tyrosine 1993 with cysteine.
Molecular consequence: missense variant. On other transcripts: intron variant (1).
Genome position (GRCh38, 1-based): chr8:54,629,860, A>G. VCF-style: chr8-54629860-A-G. GRCh37 (hg19) VCF-style: chr8-55542420-A-G.
Other names: c.787+7572A>G (NM_001375654.1); short protein forms Y1993C.
Identifiers: ClinVar variation 1510605 (VCV001510605.7), dbSNP rs924332616, ClinGen allele CA177184347.